The following is an entry in ClinVar:

NM_000069.3(CACNA1S):c.3256-12T>A

Gene: CACNA1S (calcium voltage-gated channel subunit alpha1 S; minus strand). Cytogenetic location: 1q32.1.
Variant type: single nucleotide variant.
Coding change: c.3256-12T>A on transcript NM_000069.3 (MANE Select); 12 bases into the intron before coding-DNA position 3256, T replaced by A.
Molecular consequence: intron variant.
Genome position (GRCh38, 1-based): chr1:201,060,828, A>T on the plus strand (T>A on the coding strand, the complement: CACNA1S is on the minus strand). VCF-style: chr1-201060828-A-T. GRCh37 (hg19) VCF-style: chr1-201029956-A-T.
Identifiers: ClinVar variation 1200340 (VCV001200340.10), dbSNP rs374335683, ClinGen allele CA079612.

ClinVar aggregate classification (germline): Conflicting classifications of pathogenicity. Review status: criteria provided, conflicting classifications (1 of 4 stars). 4 submissions from 4 submitters: Uncertain significance (1); Benign (2); Likely benign (1). Last evaluated 2026-01-16.

Conditions:
Hypokalemic periodic paralysis, type 1. Also called: Hypokalemic Periodic Paralysis Type 1 (AD); HypoPP. Identifiers: Orphanet 681, MedGen C3714580, MONDO:0042979, OMIM 170400.
Malignant hyperthermia, susceptibility to, 5 (MHS5). Also called: CACNA1S-Related Malignant Hyperthermia Susceptibility. Identifiers: Orphanet 423, MedGen C1866077, MONDO:0011163, OMIM 601887.

Allele frequency attached by ClinVar (database versions not stated): gnomAD exomes 0.00001 and 0.00007; ExAC 0.00010; gnomAD 0.00017 and 0.00019; TOPMed 0.00022; ESP Exome Variant Server 0.00038; 1000 Genomes Project 0.00040; 1000 Genomes Project 30x 0.00047.
gnomAD v4.1: 46 of 1,614,090 alleles (0.0028%); highest among the groups gnomAD compares: African/African-American, 0.06%; no homozygotes.

Submissions (4):

Labcorp Genetics (formerly Invitae), Labcorp
Classification: Likely benign for Hypokalemic periodic paralysis, type 1; Malignant hyperthermia, susceptibility to, 5. Last evaluated: 2026-01-16. Review status: criteria provided, single submitter. Criteria: Invitae Variant Classification Sherloc (09022015). Collection method: clinical testing. Allele origin: germline.

All of Us Research Program, National Institutes of Health
Classification: Benign for Malignant hyperthermia, susceptibility to, 5. Last evaluated: 2023-11-30. Review status: criteria provided, single submitter. Criteria: ACMG Guidelines, 2015. Collection method: clinical testing. Allele origin: germline. Inheritance: Autosomal dominant inheritance. Observed: 10 variant alleles, 10 heterozygotes.
Comment: This study involves interpretation of variants in research participants for the purpose of population health screening. Participant phenotype was not available at the time of variant classification. Additional details can be found in publication PMID: 35346344, PMCID: PMC8962531

Color Diagnostics, LLC DBA Color Health
Classification: Benign for Malignant hyperthermia, susceptibility to, 5. Last evaluated: 2022-10-11. Review status: criteria provided, single submitter. Criteria: ACMG Guidelines, 2015. Collection method: clinical testing. Allele origin: germline.

GeneDx
Classification: Uncertain significance. Last evaluated: 2020-07-30. Review status: criteria provided, single submitter. Criteria: GeneDx Variant Classification Process June 2021. Collection method: clinical testing. Allele origin: germline. Affected: yes.
Comment: In-silico analysis, which includes splice predictors and evolutionary conservation, is inconclusive as to whether the variant alters gene splicing. In the absence of RNA/functional studies, the actual effect of this sequence change is unknown.; Has not been previously published as pathogenic or benign to our knowledge